The following is an entry in ClinVar:

ClinVar aggregate classification (germline): Uncertain significance (1 of 4 stars; one submission).

Conditions:
Hereditary cancer-predisposing syndrome. Also called: Neoplastic Syndromes, Hereditary; Tumor predisposition; Hereditary neoplastic syndrome; Hereditary Cancer Syndrome. Identifiers: Orphanet 140162, MedGen C0027672, MeSH D009386, MONDO:0015356.

Submission:

Ambry Genetics
Classification: Uncertain significance for Hereditary cancer-predisposing syndrome. Last evaluated: 2026-07-06. Review status: criteria provided, single submitter. Criteria: Ambry Variant Classification Scheme 2023. Collection method: clinical testing. Allele origin: germline.
Comment: The p.V207F variant (also known as c.619G>T), located in coding exon 6 of the TSC2 gene, results from a G to T substitution at nucleotide position 619. The valine at codon 207 is replaced by phenylalanine, an amino acid with highly similar properties. This amino acid position is conserved. In addition, this alteration is predicted to be tolerated by in silico analysis. Based on the available evidence, the clinical significance of this variant remains unclear.

NM_000548.5(TSC2):c.619G>T (p.Val207Phe)

Gene: TSC2 (TSC complex subunit 2; plus strand). Cytogenetic location: 16p13.3.
Variant type: single nucleotide variant.
Coding change: c.619G>T on transcript NM_000548.5 (MANE Select); coding-DNA position 619, G replaced by T.
Protein change: p.Val207Phe; replaces valine 207 with phenylalanine.
Molecular consequence: missense variant. On other transcripts: 5 prime UTR variant (10), non-coding transcript variant (5).
Genome position (GRCh38, 1-based): chr16:2,056,215, G>T. VCF-style: chr16-2056215-G-T. GRCh37 (hg19) VCF-style: chr16-2106216-G-T.
Other names: c.619G>T, p.Val207Phe (NM_001406664.1, NM_001406665.1, NM_001406671.1 and 8 more transcripts); c.709G>T, p.Val237Phe (NM_001406667.1, NM_001406668.1); c.508G>T, p.Val170Phe (NM_001406670.1, NM_001318827.2, NM_001406678.1); c.472G>T, p.Val158Phe (NM_001406675.1, NM_001406676.1, NM_001318829.2 and 1 more transcripts); c.562G>T, p.Val188Phe (NM_001406677.1); c.19G>T, p.Val7Phe (NM_001406687.1, NM_001406688.1, NM_001318831.2 and 6 more transcripts); c.-813G>T (NM_001406689.1, NM_001406690.1, NM_001406691.1 and 3 more transcripts); c.-694G>T (NM_001406694.1, NM_001406695.1); and 4 more; short protein forms V237F, V170F, V188F, V207F, V7F, V158F, V218F, V53F.
Identifiers: ClinVar variation 5031336 (VCV005031336.1).